The following is an entry in ClinVar:

NM_014290.3(TDRD7):c.3010A>G (p.Lys1004Glu)

Gene: TDRD7 (tudor domain containing 7; plus strand). Cytogenetic location: 9q22.33.
Variant type: single nucleotide variant.
Coding change: c.3010A>G on transcript NM_014290.3 (MANE Select); coding-DNA position 3010, A replaced by G.
Protein change: p.Lys1004Glu; replaces lysine 1004 with glutamic acid.
Molecular consequence: missense variant.
Genome position (GRCh38, 1-based): chr9:97,487,266, A>G. VCF-style: chr9-97487266-A-G. GRCh37 (hg19) VCF-style: chr9-100249548-A-G.
Other names: c.2788A>G, p.Lys930Glu (NM_001302884.2); short protein forms K1004E, K930E.
Identifiers: ClinVar variation 2414492 (VCV002414492.5), dbSNP rs142381945, ClinGen allele CA5147059.
Genomic context (GRCh38, chr9:97,487,266, plus strand): 5'-AATGGACTGGTATCTGTGTATGAGCTGGATTATGGCAAACACGAATTAGTCAACATAAGA[A>G]AAGTACAGCCCCTAGTGGACATGTTCCGAAAGCTGCCCTTCCAAGCAGTCACAGCTCAAC-3'
Protein context (NP_055105.2, residues 994-1014): YGKHELVNIR[Lys1004Glu]VQPLVDMFRK

ClinVar aggregate classification (germline): Uncertain significance (1 of 4 stars; one submission).

Conditions:
Cataract 36. Identifiers: MedGen C3151304, MONDO:0013484, OMIM 613887.

Allele frequency attached by ClinVar (database versions not stated): gnomAD exomes 0.00002; ExAC 0.00005; gnomAD 0.00019; TOPMed 0.00026; ESP Exome Variant Server 0.00031.
gnomAD v4.1: 64 of 1,613,924 alleles (0.004%); highest among the groups gnomAD compares: African/African-American, 0.072%; no homozygotes.

Submission:

Labcorp Genetics (formerly Invitae), Labcorp
Classification: Uncertain significance for Cataract 36. Last evaluated: 2022-05-15. Review status: criteria provided, single submitter. Criteria: Invitae Variant Classification Sherloc (09022015). Collection method: clinical testing. Allele origin: germline.
Comment: In summary, the available evidence is currently insufficient to determine the role of this variant in disease. Therefore, it has been classified as a Variant of Uncertain Significance. Algorithms developed to predict the effect of missense changes on protein structure and function (SIFT, PolyPhen-2, Align-GVGD) all suggest that this variant is likely to be tolerated. This variant has not been reported in the literature in individuals affected with TDRD7-related conditions. This variant is present in population databases (rs142381945, gnomAD 0.07%). This sequence change replaces lysine, which is basic and polar, with glutamic acid, which is acidic and polar, at codon 1004 of the TDRD7 protein (p.Lys1004Glu).